The following is an entry in ClinVar:

ClinVar aggregate classification (germline): Uncertain significance (1 of 4 stars; one submission).

Submission:

Labcorp Genetics (formerly Invitae), Labcorp
Classification: Uncertain significance. Last evaluated: 2023-04-14. Review status: criteria provided, single submitter. Criteria: Invitae Variant Classification Sherloc (09022015). Collection method: clinical testing. Allele origin: germline.
Comment: In summary, the available evidence is currently insufficient to determine the role of this variant in disease. Therefore, it has been classified as a Variant of Uncertain Significance. An algorithm developed to predict the effect of missense changes on protein structure and function (PolyPhen-2) suggests that this variant is likely to be disruptive. ClinVar contains an entry for this variant (Variation ID: 1944587). This variant has not been reported in the literature in individuals affected with FN1-related conditions. This variant is not present in population databases (gnomAD no frequency). This sequence change replaces serine, which is neutral and polar, with tyrosine, which is neutral and polar, at codon 1292 of the FN1 protein (p.Ser1292Tyr).

NM_212482.4(FN1):c.3875C>A (p.Ser1292Tyr)

Gene: FN1 (fibronectin 1; minus strand). Cytogenetic location: 2q35.
Variant type: single nucleotide variant.
Coding change: c.3875C>A on transcript NM_212482.4 (MANE Select); coding-DNA position 3875, C replaced by A.
Protein change: p.Ser1292Tyr; replaces serine 1292 with tyrosine.
Molecular consequence: missense variant. On other transcripts: intron variant (10).
Genome position (GRCh38, 1-based): chr2:215,393,125, G>T on the plus strand (C>A on the coding strand, the complement: FN1 is on the minus strand). VCF-style: chr2-215393125-G-T. GRCh37 (hg19) VCF-style: chr2-216257848-G-T.
Other names: c.3875C>A, p.Ser1292Tyr (NM_001306129.2, NM_001306130.2, NM_001365517.2 and 3 more transcripts); c.3797-1311C>A (NM_212474.3, NM_001306132.2, NM_001365523.2 and 7 more transcripts); short protein forms S1292Y.
Identifiers: ClinVar variation 1944587 (VCV001944587.5), dbSNP rs2059899895, ClinGen allele CA350485330.